The following is an entry in ClinVar:

ClinVar aggregate classification (germline): Uncertain significance. Review status: criteria provided, multiple submitters, no conflicts (2 of 4 stars). 2 submissions from 2 submitters: Uncertain significance (2). Last evaluated 2022-06-20.

Conditions:
Multiple congenital anomalies-hypotonia-seizures syndrome 3 (MCAHS3). Also called: GLYCOSYLPHOSPHATIDYLINOSITOL BIOSYNTHESIS DEFECT 7. Identifiers: Orphanet 369837, MedGen C3809356, MONDO:0014165, OMIM 615398.

Allele frequency attached by ClinVar (database versions not stated): gnomAD 0.00003; gnomAD exomes 0.00005; TOPMed 0.00006; ExAC 0.00009.
gnomAD v4.1: 76 of 1,613,994 alleles (0.0047%); highest among the groups gnomAD compares: South Asian, 0.052%; no homozygotes.

Submissions (2):

Labcorp Genetics (formerly Invitae), Labcorp
Classification: Uncertain significance for Multiple congenital anomalies-hypotonia-seizures syndrome 3. Last evaluated: 2022-06-20. Review status: criteria provided, single submitter. Criteria: Invitae Variant Classification Sherloc (09022015). Collection method: clinical testing. Allele origin: germline.
Comment: This sequence change replaces arginine, which is basic and polar, with tryptophan, which is neutral and slightly polar, at codon 394 of the PIGT protein (p.Arg394Trp). This variant is present in population databases (rs774366478, gnomAD 0.04%). This variant has not been reported in the literature in individuals affected with PIGT-related conditions. Algorithms developed to predict the effect of missense changes on protein structure and function are either unavailable or do not agree on the potential impact of this missense change (SIFT: "Deleterious"; PolyPhen-2: "Probably Damaging"; Align-GVGD: "Class C0"). Algorithms developed to predict the effect of sequence changes on RNA splicing suggest that this variant may create or strengthen a splice site. In summary, the available evidence is currently insufficient to determine the role of this variant in disease. Therefore, it has been classified as a Variant of Uncertain Significance.

Blueprint Genetics
Classification: Uncertain significance. Last evaluated: 2022-03-17. Review status: criteria provided, single submitter. Criteria: ACMG Guidelines, 2015. Collection method: clinical testing. Allele origin: germline.

NM_015937.6(PIGT):c.1180C>T (p.Arg394Trp)

Gene: PIGT (phosphatidylinositol glycan anchor biosynthesis class T; plus strand). Cytogenetic location: 20q13.12.
Variant type: single nucleotide variant.
Coding change: c.1180C>T on transcript NM_015937.6 (MANE Select); coding-DNA position 1180, C replaced by T.
Protein change: p.Arg394Trp; replaces arginine 394 with tryptophan.
Molecular consequence: missense variant. On other transcripts: non-coding transcript variant (5), intron variant (1).
Genome position (GRCh38, 1-based): chr20:45,421,529, C>T. VCF-style: chr20-45421529-C-T. GRCh37 (hg19) VCF-style: chr20-44050169-C-T.
Other names: c.1012C>T, p.Arg338Trp (NM_001184728.3); c.874C>T, p.Arg292Trp (NM_001184730.3); c.1033+836C>T (NM_001184729.3); short protein forms R394W, R292W, R338W.
Identifiers: ClinVar variation 2048171 (VCV002048171.2), dbSNP rs774366478, ClinGen allele CA9878180.